The following is an entry in ClinVar:

NM_006516.4(SLC2A1):c.898A>T (p.Lys300Ter)

Gene: SLC2A1 (solute carrier family 2 member 1; minus strand). Cytogenetic location: 1p34.2.
Variant type: single nucleotide variant.
Coding change: c.898A>T on transcript NM_006516.4 (MANE Select); coding-DNA position 898, A replaced by T.
Protein change: p.Lys300Ter; replaces lysine 300 with a stop codon.
Molecular consequence: nonsense.
Genome position (GRCh38, 1-based): chr1:42,929,284, T>A on the plus strand (A>T on the coding strand, the complement: SLC2A1 is on the minus strand). VCF-style: chr1-42929284-T-A. GRCh37 (hg19) VCF-style: chr1-43394955-T-A.
Other names: short protein forms K300*.
Identifiers: ClinVar variation 1437184 (VCV001437184.6), dbSNP rs2124448369, ClinGen allele CA339956815.

ClinVar aggregate classification (germline): Pathogenic (1 of 4 stars; one submission).

Conditions:
GLUT1 deficiency syndrome 1, autosomal recessive. Identifiers: MedGen C3149117.

Submission:

Labcorp Genetics (formerly Invitae), Labcorp
Classification: Pathogenic for GLUT1 deficiency syndrome 1, autosomal recessive. Last evaluated: 2021-02-01. Review status: criteria provided, single submitter. Criteria: Invitae Variant Classification Sherloc (09022015). Collection method: clinical testing. Allele origin: germline.
Comment: For these reasons, this variant has been classified as Pathogenic. Algorithms developed to predict the effect of sequence changes on RNA splicing suggest that this variant may create or strengthen a splice site, but this prediction has not been confirmed by published transcriptional studies. This variant has not been reported in the literature in individuals with SLC2A1-related conditions. This variant is not present in population databases (ExAC no frequency). This sequence change creates a premature translational stop signal (p.Lys300*) in the SLC2A1 gene. It is expected to result in an absent or disrupted protein product. Loss-of-function variants in SLC2A1 are known to be pathogenic (PMID: 21832227, 26193382).

Literature cited by the submitters: PubMed 21832227; PubMed 26193382.